The following is an entry in ClinVar:

NM_005051.3(QARS1):c.2254G>T (p.Asp752Tyr)

Gene: QARS1 (glutaminyl-tRNA synthetase 1; minus strand). Cytogenetic location: 3p21.31.
Variant type: single nucleotide variant.
Coding change: c.2254G>T on transcript NM_005051.3 (MANE Select); coding-DNA position 2254, G replaced by T.
Protein change: p.Asp752Tyr; replaces aspartic acid 752 with tyrosine.
Molecular consequence: missense variant. On other transcripts: non-coding transcript variant (1).
Genome position (GRCh38, 1-based): chr3:49,098,015, C>A on the plus strand (G>T on the coding strand, the complement: QARS1 is on the minus strand). VCF-style: chr3-49098015-C-A. GRCh37 (hg19) VCF-style: chr3-49135448-C-A.
Other names: c.2221G>T, p.Asp741Tyr (NM_001272073.2); short protein forms D741Y, D752Y.
Identifiers: ClinVar variation 3769997 (VCV003769997.1).

ClinVar aggregate classification (germline): Uncertain significance (1 of 4 stars; one submission).

Submission:

GeneDx
Classification: Uncertain significance. Last evaluated: 2024-09-12. Review status: criteria provided, single submitter. Criteria: GeneDx Variant Classification Process June 2021. Collection method: clinical testing. Allele origin: germline. Affected: yes.
Comment: Not observed at significant frequency in large population cohorts (gnomAD); In silico analysis supports that this missense variant has a deleterious effect on protein structure/function; Has not been previously published as pathogenic or benign to our knowledge; This variant is associated with the following publications: (PMID: 25471517)